The following is an entry in ClinVar:

ClinVar aggregate classification (germline): Uncertain significance. Review status: criteria provided, multiple submitters, no conflicts (2 of 4 stars). 2 submissions from 2 submitters: Uncertain significance (2). Last evaluated 2023-05-08.

Conditions:
Cardiovascular phenotype. Identifiers: MedGen CN230736.
Sitosterolemia (STSL). Also called: PHYTOSTEROLEMIA. Identifiers: Orphanet 2882, MedGen C0342907, MONDO:0008863.

Allele frequency attached by ClinVar (database versions not stated): TOPMed 0.00001; gnomAD 0.00001 and 0.00002.
gnomAD v4.1: 61 of 1,614,110 alleles (0.0038%); highest among the groups gnomAD compares: Non-Finnish European, 0.0047%; no homozygotes.

Submissions (2):

Labcorp Genetics (formerly Invitae), Labcorp
Classification: Uncertain significance for Sitosterolemia. Last evaluated: 2023-05-08. Review status: criteria provided, single submitter. Criteria: Invitae Variant Classification Sherloc (09022015). Collection method: clinical testing. Allele origin: germline.
Comment: In summary, the available evidence is currently insufficient to determine the role of this variant in disease. Therefore, it has been classified as a Variant of Uncertain Significance. Algorithms developed to predict the effect of sequence changes on RNA splicing suggest that this variant may create or strengthen a splice site. An algorithm developed to predict the effect of missense changes on protein structure and function (PolyPhen-2) suggests that this variant is likely to be disruptive. ClinVar contains an entry for this variant (Variation ID: 944271). This variant has not been reported in the literature in individuals affected with ABCG5-related conditions. This variant is present in population databases (rs770254073, gnomAD 0.005%). This sequence change replaces arginine, which is basic and polar, with threonine, which is neutral and polar, at codon 374 of the ABCG5 protein (p.Arg374Thr).

Ambry Genetics
Classification: Uncertain significance for Cardiovascular phenotype. Last evaluated: 2023-02-05. Review status: criteria provided, single submitter. Criteria: Ambry Variant Classification Scheme 2023. Collection method: clinical testing. Allele origin: germline.
Comment: The p.R374T variant (also known as c.1121G>C), located in coding exon 9 of the ABCG5 gene, results from a G to C substitution at nucleotide position 1121. The arginine at codon 374 is replaced by threonine, an amino acid with similar properties. This amino acid position is conserved. In addition, this alteration is predicted to be deleterious by in silico analysis. Since supporting evidence is limited at this time, the clinical significance of this alteration remains unclear.

NM_022436.3(ABCG5):c.1121G>C (p.Arg374Thr)

Genes: ABCG5 (ATP binding cassette subfamily G member 5; minus strand), DYNC2LI1 (dynein cytoplasmic 2 light intermediate chain 1; plus strand). Cytogenetic location: 2p21.
Variant type: single nucleotide variant.
Coding change: c.1121G>C on transcript NM_022436.3 (MANE Select); coding-DNA position 1121, G replaced by C.
Protein change: p.Arg374Thr; replaces arginine 374 with threonine.
Molecular consequence: missense variant. On other transcripts: intron variant (2).
Genome position (GRCh38, 1-based): chr2:43,824,116, C>G on the plus strand (G>C on the coding strand, the complement: ABCG5 is on the minus strand). VCF-style: chr2-43824116-C-G. GRCh37 (hg19) VCF-style: chr2-44051255-C-G.
Other names: c.*16-3270C>G (NM_001348913.2, NM_001348912.2); short protein forms R374T.
Identifiers: ClinVar variation 944271 (VCV000944271.11), dbSNP rs770254073, ClinGen allele CA1636389.